The following is an entry in ClinVar:

ClinVar aggregate classification (germline): Uncertain significance (1 of 4 stars; one submission).

Submission:

GeneDx
Classification: Uncertain significance. Last evaluated: 2024-03-29. Review status: criteria provided, single submitter. Criteria: GeneDx Variant Classification Process June 2021. Collection method: clinical testing. Allele origin: germline.
Comment: Not observed at significant frequency in large population cohorts (gnomAD); In silico analysis supports that this missense variant does not alter protein structure/function; Has not been previously published as pathogenic or benign to our knowledge

NM_003922.4(HERC1):c.11479C>A (p.His3827Asn)

Gene: HERC1 (HECT and RLD domain containing E3 ubiquitin protein ligase family member 1; minus strand). Cytogenetic location: 15q22.31.
Variant type: single nucleotide variant.
Coding change: c.11479C>A on transcript NM_003922.4 (MANE Select); coding-DNA position 11479, C replaced by A.
Protein change: p.His3827Asn; replaces histidine 3827 with asparagine.
Molecular consequence: missense variant.
Genome position (GRCh38, 1-based): chr15:63,641,598, G>T on the plus strand (C>A on the coding strand, the complement: HERC1 is on the minus strand). VCF-style: chr15-63641598-G-T. GRCh37 (hg19) VCF-style: chr15-63933797-G-T.
Other names: short protein forms H3827N.
Identifiers: ClinVar variation 2500485 (VCV002500485.2), dbSNP rs2551050261, ClinGen allele CA392746757.
Genomic context (GRCh38, chr15:63,641,598, plus strand): 5'-CCATGTTCAATCCCAGAACACCCTGCTGTTTCAATGCTGTCCTACAGGTTGCCAAAACAT[G>T]ATTGGCAGCTGCCCATTCTGCTGTACAATTCACGACCAAAACATCCTGGTTGAAAATAAA-3'
Protein context (NP_003913.3, residues 3817-3837): NCTAEWAAAN[His3827Asn]VLATCRTALK